The following is an entry in ClinVar:

NM_001122752.2(SERPINI1):c.928C>G (p.Leu310Val)

Gene: SERPINI1 (serpin family I member 1; plus strand). Cytogenetic location: 3q26.1.
Variant type: single nucleotide variant.
Coding change: c.928C>G on transcript NM_001122752.2 (MANE Select); coding-DNA position 928, C replaced by G.
Protein change: p.Leu310Val; replaces leucine 310 with valine.
Molecular consequence: missense variant.
Genome position (GRCh38, 1-based): chr3:167,807,290, C>G. VCF-style: chr3-167807290-C-G. GRCh37 (hg19) VCF-style: chr3-167525078-C-G.
Other names: c.928C>G, p.Leu310Val (NM_005025.5); short protein forms L310V.
Identifiers: ClinVar variation 4798049 (VCV004798049.1).

ClinVar aggregate classification (germline): Uncertain significance (1 of 4 stars; one submission).

Conditions:
Familial encephalopathy with neuroserpin inclusion bodies. Also called: ENCEPHALOPATHY, FAMILIAL, WITH COLLINS BODIES. Identifiers: Orphanet 85110, MedGen C1858680, MONDO:0011412, OMIM 604218.

gnomAD v4.1: 1 of 1,612,990 alleles (0.000062%); highest among the groups gnomAD compares: Admixed American, 0.0017%; no homozygotes.

Submission:

Labcorp Genetics (formerly Invitae), Labcorp
Classification: Uncertain significance for Familial encephalopathy with neuroserpin inclusion bodies. Last evaluated: 2025-12-22. Review status: criteria provided, single submitter. Criteria: Invitae Variant Classification Sherloc (09022015). Collection method: clinical testing. Allele origin: germline.
Comment: This sequence change replaces leucine, which is neutral and non-polar, with valine, which is neutral and non-polar, at codon 310 of the SERPINI1 protein (p.Leu310Val). This variant is present in population databases (no rsID available, gnomAD 0.003%). This variant has not been reported in the literature in individuals affected with SERPINI1-related conditions. Invitae Evidence Modeling of protein sequence and biophysical properties (such as structural, functional, and spatial information, amino acid conservation, physicochemical variation, residue mobility, and thermodynamic stability) indicates that this missense variant is not expected to disrupt SERPINI1 protein function with a negative predictive value of 80%. In summary, the available evidence is currently insufficient to determine the role of this variant in disease. Therefore, it has been classified as a Variant of Uncertain Significance.